The following is an entry in ClinVar:

ClinVar aggregate classification (germline): Likely benign (0 of 4 stars; one submission).

Conditions:
MUC16-related disorder. Also called: MUC16-related condition.

Allele frequency attached by ClinVar (database versions not stated): TOPMed 0.00005; gnomAD 0.00010; ExAC 0.00030; 1000 Genomes Project 30x 0.00047; 1000 Genomes Project 0.00060.

Submission:

PreventionGenetics, part of Exact Sciences
Classification: Likely benign for MUC16-related condition. Last evaluated: 2019-02-21. Review status: no assertion criteria provided. Collection method: clinical testing. Allele origin: germline.
Comment: This variant is classified as likely benign based on ACMG/AMP sequence variant interpretation guidelines (Richards et al. 2015 PMID: 25741868, with internal and published modifications).

NM_001401501.2(MUC16):c.1392G>A (p.Thr464=)

Gene: MUC16 (mucin 16, cell surface associated; minus strand). Cytogenetic location: 19p13.2.
Variant type: single nucleotide variant.
Coding change: c.1392G>A on transcript NM_001401501.2 (MANE Select); coding-DNA position 1392, G replaced by A.
Protein change: p.Thr464=; no amino-acid change (threonine 464 retained).
Molecular consequence: synonymous variant.
Genome position (GRCh38, 1-based): chr19:8,979,867, C>T on the plus strand (G>A on the coding strand, the complement: MUC16 is on the minus strand). VCF-style: chr19-8979867-C-T. GRCh37 (hg19) VCF-style: chr19-9090543-C-T.
Other names: c.1818G>A, p.Thr606= (NM_001414686.1); c.1272G>A, p.Thr424= (NM_001414687.1, NM_024690.2).
Identifiers: ClinVar variation 3042311 (VCV003042311.2), dbSNP rs199776386, ClinGen allele CA9173439.
Genomic context (GRCh38, chr19:8,979,867, plus strand): 5'-AGCAGAGGTCTCAAGTGGAGTCATAGATGTATTCAAAGTTCCTTCTGTTTCCTTTCCACT[C>T]GTGGAGTGATGGGTGTTGGTCTCCTCTGAGACTAAAGTGGTAGATGGAGATGTGGTTGTC-3'
Protein context (NP_001388430.1, residues 454-474): VSEETNTHHS[Thr464=]SGKETEGTLN